The following is an entry in ClinVar:

NM_015559.3(SETBP1):c.274T>A (p.Ser92Thr)

Gene: SETBP1 (SET binding protein 1; plus strand). Cytogenetic location: 18q12.3.
Variant type: single nucleotide variant.
Coding change: c.274T>A on transcript NM_015559.3 (MANE Select); coding-DNA position 274, T replaced by A.
Protein change: p.Ser92Thr; replaces serine 92 with threonine.
Molecular consequence: missense variant.
Genome position (GRCh38, 1-based): chr18:44,701,620, T>A. VCF-style: chr18-44701620-T-A. GRCh37 (hg19) VCF-style: chr18-42281585-T-A.
Other names: c.274T>A, p.Ser92Thr (NM_001379142.1, NM_001410862.1, NM_001130110.2 and 1 more transcripts); short protein forms S92T.
Identifiers: ClinVar variation 3026577 (VCV003026577.22), dbSNP rs2511333325, ClinGen allele CA402481812.
Genomic context (GRCh38, chr18:44,701,620, plus strand): 5'-AACTCCAACGCGGACAGTGAGAAATGGGTGGCAGGAGATGGTTTGGAAGAGCAGGAATTT[T>A]CTATCAAGGAGGCAAACTTCACAGAGGGAAGTCTGAAGCTAAAGATTCAGACCACAAAGC-3'
Protein context (NP_056374.2, residues 82-102): AGDGLEEQEF[Ser92Thr]IKEANFTEGS

ClinVar aggregate classification (germline): Uncertain significance (1 of 4 stars; one submission).

Submission:

CeGaT Center for Human Genetics Tuebingen
Classification: Uncertain significance. Last evaluated: 2024-08-01. Review status: criteria provided, single submitter. Criteria: CeGaT Center For Human Genetics Tuebingen Variant Classification Criteria Version 2. Collection method: clinical testing. Allele origin: germline. Affected: yes. Observed: 2 variant alleles.
Comment: SETBP1: PM2